The following is an entry in ClinVar:

NM_018344.6(SLC29A3):c.1172C>A (p.Pro391His)

Gene: SLC29A3 (solute carrier family 29 member 3; plus strand). Cytogenetic location: 10q22.1.
Variant type: single nucleotide variant.
Coding change: c.1172C>A on transcript NM_018344.6 (MANE Select); coding-DNA position 1172, C replaced by A.
Protein change: p.Pro391His; replaces proline 391 with histidine.
Molecular consequence: missense variant. On other transcripts: 3 prime UTR variant (1), non-coding transcript variant (2).
Genome position (GRCh38, 1-based): chr10:71,362,352, C>A. VCF-style: chr10-71362352-C-A. GRCh37 (hg19) VCF-style: chr10-73122109-C-A.
Other names: c.*401C>A (NM_001174098.2); c.938C>A, p.Pro313His (NM_001363518.2); short protein forms P391H, P313H.
Identifiers: ClinVar variation 2169550 (VCV002169550.2), dbSNP rs755318499, ClinGen allele CA5543135.
Genomic context (GRCh38, chr10:71,362,352, plus strand): 5'-TGCCAGGGCCCAATAGCAAGGCGCTCCCAGGGTTCGTGCTCCTCCGGACCTGCCTCATCC[C>A]CCTCTTCGTGCTCTGTAACTACCAGCCCCGCGTCCACCTGAAGACTGTGGTCTTCCAGTC-3'
Protein context (NP_060814.4, residues 381-401): GFVLLRTCLI[Pro391His]LFVLCNYQPR

ClinVar aggregate classification (germline): Uncertain significance (1 of 4 stars; one submission).

Conditions:
H syndrome. Also called: HISTIOCYTOSIS AND LYMPHADENOPATHY WITH OR WITHOUT CUTANEOUS, CARDIAC, AND/OR ENDOCRINE FEATURES, JOINT CONTRACTURES, AND/OR DEAFNESS; HYPERPIGMENTATION, CUTANEOUS, WITH HYPERTRICHOSIS, HEPATOSPLENOMEGALY, HEART ANOMALIES, AND HYPOGONADISM WITH OR WITHOUT HEARING LOSS; PIGMENTED HYPERTRICHOSIS WITH INSULIN-DEPENDENT DIABETES MELLITUS; ROSAI-DORFMAN DISEASE, FAMILIAL; SINUS HISTIOCYTOSIS AND MASSIVE LYMPHADENOPATHY; Hyperpigmentation, Cutaneous, with Hypertrichosis, Hepatosplenomegaly, Heart Anomalies, Hearing Loss, and Hypogonadism. Identifiers: Orphanet 168569, MedGen C1864445, MONDO:0011273, OMIM 602782.

Allele frequency attached by ClinVar (database versions not stated): TOPMed 0.00001; ExAC 0.00002.
gnomAD v4.1: 6 of 1,614,068 alleles (0.00037%); highest among the groups gnomAD compares: African/African-American, 0.0013%; no homozygotes.

Submission:

Labcorp Genetics (formerly Invitae), Labcorp
Classification: Uncertain significance for H syndrome. Last evaluated: 2025-10-01. Review status: criteria provided, single submitter. Criteria: Invitae Variant Classification Sherloc (09022015). Collection method: clinical testing. Allele origin: germline.
Comment: This sequence change replaces proline, which is neutral and non-polar, with histidine, which is basic and polar, at codon 391 of the SLC29A3 protein (p.Pro391His). This variant is present in population databases (rs755318499, gnomAD 0.002%). This missense change has been observed in individual(s) with osteosclerosis (PMID: 30537558). ClinVar contains an entry for this variant (Variation ID: 2169550). Invitae Evidence Modeling of protein sequence and biophysical properties (such as structural, functional, and spatial information, amino acid conservation, physicochemical variation, residue mobility, and thermodynamic stability) has been performed for this missense variant. However, the output from this modeling did not meet the statistical confidence thresholds required to predict the impact of this variant on SLC29A3 protein function. In summary, the available evidence is currently insufficient to determine the role of this variant in disease. Therefore, it has been classified as a Variant of Uncertain Significance.

Literature cited by the submitters: PubMed 30537558.